The following is an entry in ClinVar:

NM_181882.3(PRX):c.1613T>G (p.Val538Gly)

Gene: PRX (periaxin; minus strand). Cytogenetic location: 19q13.2.
Variant type: single nucleotide variant.
Coding change: c.1613T>G on transcript NM_181882.3 (MANE Select); coding-DNA position 1613, T replaced by G.
Protein change: p.Val538Gly; replaces valine 538 with glycine.
Molecular consequence: missense variant. On other transcripts: 3 prime UTR variant (1).
Genome position (GRCh38, 1-based): chr19:40,396,739, A>C on the plus strand (T>G on the coding strand, the complement: PRX is on the minus strand). VCF-style: chr19-40396739-A-C. GRCh37 (hg19) VCF-style: chr19-40902646-A-C.
Other names: c.1898T>G, p.Val633Gly (NM_001411127.1); c.*1818T>G (NM_020956.2); short protein forms V633G, V538G.
Identifiers: ClinVar variation 1776447 (VCV001776447.6), dbSNP rs765791679, ClinGen allele CA9444232.

ClinVar aggregate classification (germline): Uncertain significance. Review status: criteria provided, multiple submitters, no conflicts (2 of 4 stars). 3 submissions from 3 submitters: Uncertain significance (3). Last evaluated 2026-08-31.

Conditions:
PRX-related disorder. Also called: PRX-Related Disorders; PRX-related condition.
Charcot-Marie-Tooth disease type 4. Also called: Charcot-Marie-Tooth disease, type IV; Charcot-Marie-Tooth, Type 4. Identifiers: Orphanet 64749, MedGen C4082197, MONDO:0018995.
Inborn genetic diseases. Identifiers: MedGen C0950123, MeSH D030342.

Allele frequency attached by ClinVar (database versions not stated): ExAC 0.00008; gnomAD 0.00005.
gnomAD v4.1: 24 of 1,611,288 alleles (0.0015%); highest among the groups gnomAD compares: Non-Finnish European, 0.0019%; no homozygotes.

Submissions (3):

PreventionGenetics, part of Exact Sciences
Classification: Uncertain significance for PRX-related condition. Last evaluated: 2026-08-31. Review status: criteria provided, single submitter. Criteria: ACMG Guidelines, 2015. Collection method: clinical testing. Allele origin: germline.
Comment: The PRX c.1613T>G variant is predicted to result in the amino acid substitution p.Val538Gly. To our knowledge, this variant has not been reported in the literature. This variant is reported in 0.0035% of alleles in individuals of European (Non-Finnish) descent in gnomAD. At this time, the clinical significance of this variant is uncertain due to the absence of conclusive functional and genetic evidence.

Labcorp Genetics (formerly Invitae), Labcorp
Classification: Uncertain significance for Charcot-Marie-Tooth disease type 4. Last evaluated: 2022-08-07. Review status: criteria provided, single submitter. Criteria: Invitae Variant Classification Sherloc (09022015). Collection method: clinical testing. Allele origin: germline.
Comment: This variant is present in population databases (rs765791679, gnomAD 0.004%). In summary, the available evidence is currently insufficient to determine the role of this variant in disease. Therefore, it has been classified as a Variant of Uncertain Significance. Algorithms developed to predict the effect of missense changes on protein structure and function are either unavailable or do not agree on the potential impact of this missense change (SIFT: "Deleterious"; PolyPhen-2: "Benign"; Align-GVGD: "Class C0"). This variant has not been reported in the literature in individuals affected with PRX-related conditions. This sequence change replaces valine, which is neutral and non-polar, with glycine, which is neutral and non-polar, at codon 538 of the PRX protein (p.Val538Gly).

Ambry Genetics
Classification: Uncertain significance for Inborn genetic diseases. Last evaluated: 2020-11-02. Review status: criteria provided, single submitter. Criteria: Ambry Variant Classification Scheme 2023. Collection method: clinical testing. Allele origin: germline.
Comment: The p.V538G variant (also known as c.1613T>G), located in coding exon 4 of the PRX gene, results from a T to G substitution at nucleotide position 1613. The valine at codon 538 is replaced by glycine, an amino acid with dissimilar properties. This amino acid position is not well conserved in available vertebrate species. In addition, this alteration is predicted to be tolerated by in silico analysis. Since supporting evidence is limited at this time, the clinical significance of this alteration remains unclear.